The following is an entry in ClinVar:

NM_000631.5(NCF4):c.759-24T>G

Gene: NCF4 (neutrophil cytosolic factor 4; plus strand). Cytogenetic location: 22q12.3.
Variant type: single nucleotide variant.
Coding change: c.759-24T>G on transcript NM_000631.5 (MANE Select); 24 bases into the intron before coding-DNA position 759, T replaced by G.
Molecular consequence: intron variant. On other transcripts: nonsense (1).
Genome position (GRCh38, 1-based): chr22:36,876,005, T>G. VCF-style: chr22-36876005-T-G. GRCh37 (hg19) VCF-style: chr22-37272047-T-G.
Other names: c.980T>G, p.Leu327Ter (NM_013416.4); short protein forms L327*.
Identifiers: ClinVar variation 2834848 (VCV002834848.3), dbSNP rs2517929586, ClinGen allele CA411390259.

ClinVar aggregate classification (germline): Pathogenic (1 of 4 stars; one submission).

Conditions:
Granulomatous disease, chronic, autosomal recessive, cytochrome b-positive, type 3. Also called: GRANULOMATOUS DISEASE, CHRONIC, AUTOSOMAL RECESSIVE, 3; Granulomatous disease, chronic, autosomal recessive, cytochrome b-positive, type III; CGD, AUTOSOMAL RECESSIVE CYTOCHROME b-POSITIVE, TYPE III; GRANULOMATOUS DISEASE, CHRONIC, DUE TO NCF4 DEFICIENCY. Identifiers: Orphanet 379, MedGen C3151409, MONDO:0013507, OMIM 613960.

Submission:

Labcorp Genetics (formerly Invitae), Labcorp
Classification: Pathogenic for Granulomatous disease, chronic, autosomal recessive, cytochrome b-positive, type 3. Last evaluated: 2023-02-05. Review status: criteria provided, single submitter. Criteria: Invitae Variant Classification Sherloc (09022015). Collection method: clinical testing. Allele origin: germline.
Comment: This sequence change creates a premature translational stop signal (p.Leu327*) in the NCF4 gene. It is expected to result in an absent or disrupted protein product. Loss-of-function variants in NCF4 are known to be pathogenic (PMID: 16880254, 19692703, 20167518). This variant is not present in population databases (gnomAD no frequency). This variant has not been reported in the literature in individuals affected with NCF4-related conditions. For these reasons, this variant has been classified as Pathogenic.

Literature cited by the submitters: PubMed 16880254; PubMed 19692703; PubMed 20167518.